The following is an entry in ClinVar:

ClinVar aggregate classification (germline): Likely benign (1 of 4 stars; one submission).

Conditions:
Developmental cataract. Also called: Congenital cataracts; Bilateral cataracts; Congenital cataract. Identifiers: MedGen C0009691, HP:0000519.

Submission:

Dept. Genetics and Cancer, Menzies Institute for Medical Research, University of Tasmania
Classification: Likely benign for Developmental cataract. Last evaluated: 2020-12-01. Review status: criteria provided, single submitter. Criteria: ACMG Guidelines, 2015. Collection method: research. Allele origin: germline. Affected: yes.
Comment: The allele frequency of this variant in a control population is greater than expected for the condition. Lack of evidence of variant having a putative damaging impact on a gene or gene product. Lack of cosegregation with the condition in the family. gnomAD structural variant CPX_1_410 (duplication flanked inversion at near identical location).

Literature cited by the submitters: PubMed 33867527.

NC_000001.11:g.239953380_239953381insGTGTGTGAGGCAGAGCCGGTGTGTGAGGAGGCCTGGGGGTGGGTTCATGTGAGCCCGTGGGGAGGGGACAGGGCTGGACTGCACAGAGCAGAGCTGCCAGAAGCTGAGGAGCGGACGCAGCAATGAGAAACTCAGCCCAATCATGTGGCCGACTGCAGTCTGGAAGACTTCCTGGGTGTGGAGTTTCTCTGAGTTTCTCAGAAAGGCAGAGGGAAGATTTTTGTCAGTAGAAGGCACATGGAAAGTCAGTCATGTTAGTGATCTTTCCTCCTCTGGCAGCTCCAGAGCCAGCTCCAGTTCAAGCTCAAAAGCCACCTTCAGAGTGTGTGTCAGGGCTAGGTCCACCACCAGCTCCAGCTGCAGCCTTAACCACCAG

Variant type: Insertion.
Genome position: GRCh38: chr1:239,953,380-239,953,381. GRCh37 (hg19): chr1:240,116,680-240,116,681.
Identifiers: ClinVar variation 988889 (VCV000988889.3), dbSNP rs1274870693, ClinGen allele CA2499214626.